The following is an entry in ClinVar:

NM_001267550.2(TTN):c.40877-2A>G

Gene: TTN (titin; minus strand). Cytogenetic location: 2q31.2.
Variant type: single nucleotide variant.
Coding change: c.40877-2A>G on transcript NM_001267550.2 (MANE Select); the canonical splice acceptor site of the intron before coding-DNA position 40877, A replaced by G.
Molecular consequence: splice acceptor variant.
Genome position (GRCh38, 1-based): chr2:178,637,421, T>C on the plus strand (A>G on the coding strand, the complement: TTN is on the minus strand). VCF-style: chr2-178637421-T-C. GRCh37 (hg19) VCF-style: chr2-179502148-T-C.
Other names: c.13682-2A>G (NM_003319.4); c.14258-2A>G (NM_133437.4); c.14057-2A>G (NM_133432.3); c.33173-2A>G (NM_133378.4); c.35954-2A>G (NM_001256850.1).
Identifiers: ClinVar variation 3383091 (VCV003383091.2).

ClinVar aggregate classification (germline): Uncertain significance. Review status: criteria provided, multiple submitters, no conflicts (2 of 4 stars). 2 submissions from 2 submitters: Uncertain significance (2). Last evaluated 2025-07-07.

Conditions:
Myopathy, myofibrillar, 9, with early respiratory failure (MFM9). Also called: MYOPATHY, PROXIMAL, WITH EARLY RESPIRATORY MUSCLE INVOLVEMENT; EDSTROM MYOPATHY; Hereditary myopathy with early respiratory failure; Myopathy, distal, with early respiratory failure, autosomal dominant. Identifiers: Orphanet 178464, Orphanet 34521, MedGen C1863599, MONDO:0011362, OMIM 603689.
Cardiovascular phenotype. Identifiers: MedGen CN230736.

Submissions (2):

Ambry Genetics
Classification: Uncertain significance for Cardiovascular phenotype. Last evaluated: 2025-07-07. Review status: criteria provided, single submitter. Criteria: Ambry Variant Classification Scheme 2023. Collection method: clinical testing. Allele origin: germline.
Comment: The c.13682-2A>G intronic variant results from an A to G substitution two nucleotides upstream from coding exon 51 in the TTN gene. This exon is located in the I-band region of the N2-B isoform of the titin protein and is not constitutively expressed in TTN transcripts (percent spliced in or PSI 79%). This nucleotide position is highly conserved in available vertebrate species. In silico splice site analysis predicts that this alteration will weaken the native splice acceptor site. This variant disrupts the canonical splice site and is expected to cause aberrant splicing. However, although direct evidence is unavailable, this alteration is predicted to result in an in-frame transcript that is not expected to trigger nonsense-mediated mRNA decay. The exact functional effect of the predicted splice impact is unknown. Based on the available evidence, the clinical significance of this variant remains unclear.

Juno Genomics, Hangzhou Juno Genomics, Inc
Classification: Uncertain significance for Myopathy, myofibrillar, 9, with early respiratory failure. Review status: criteria provided, single submitter. Criteria: ACMG Guidelines, 2015. Collection method: clinical testing. Allele origin: germline. Affected: yes.
Comment: Null variant in a gene where loss of function (LOF) is a known mechanism of disease.;Absent from controls (or at extremely low frequency if recessive) in Genome Aggregation Database, Exome Sequencing Project, 1000 Genomes Project, or Exome Aggregation Consortium.